The following is an entry in ClinVar:

ClinVar aggregate classification (germline): Benign/Likely benign. Review status: criteria provided, multiple submitters, no conflicts (2 of 4 stars). 6 submissions from 6 submitters: Benign (1); Likely benign (3). 2 of the submissions do not count toward it. Last evaluated 2024-10-08.

Conditions:
Hereditary cancer-predisposing syndrome. Also called: Neoplastic Syndromes, Hereditary; Tumor predisposition; Hereditary neoplastic syndrome; Hereditary Cancer Syndrome. Identifiers: Orphanet 140162, MedGen C0027672, MeSH D009386, MONDO:0015356.
Familial cancer of breast. Also called: BREAST CANCER, FAMILIAL; Hereditary breast cancer; hereditary breast carcinoma. Identifiers: Orphanet 227535, MedGen C0346153, MONDO:0016419, OMIM 114480. Disease mechanism: loss of function.

Submissions (6):

Myriad Genetics, Inc.
Classification: Benign for Familial cancer of breast. Last evaluated: 2024-10-08. Review status: criteria provided, single submitter. Criteria: Myriad Autosomal Dominant, Autosomal Recessive and X-Linked Classification Criteria (2023). Collection method: clinical testing. Allele origin: unknown.
Comment: This variant is considered benign. This variant is a silent/synonymous amino acid change and it is not expected to impact splicing.

Ambry Genetics
Classification: Likely benign for Hereditary cancer-predisposing syndrome. Last evaluated: 2023-09-16. Review status: criteria provided, single submitter. Criteria: Ambry Variant Classification Scheme 2023. Collection method: clinical testing. Allele origin: germline.

Labcorp Genetics (formerly Invitae), Labcorp
Classification: Likely benign for Familial cancer of breast. Last evaluated: 2019-09-05. Review status: criteria provided, single submitter. Criteria: Invitae Variant Classification Sherloc (09022015). Collection method: clinical testing. Allele origin: germline.

GeneDx
Classification: Likely benign. Last evaluated: 2018-04-19. Review status: criteria provided, single submitter. Criteria: GeneDx Variant Classification (06012015). Collection method: clinical testing. Allele origin: germline. Affected: yes.
Comment: This variant is considered likely benign or benign based on one or more of the following criteria: it is a conservative change, it occurs at a poorly conserved position in the protein, it is predicted to be benign by multiple in silico algorithms, and/or has population frequency not consistent with disease.

Diagnostic Laboratory, Department of Genetics, University Medical Center Groningen
Classification: Likely benign. Review status: no assertion criteria provided. Collection method: clinical testing. Allele origin: germline. Affected: yes. Study: VKGL Data-share Consensus. Not counted in ClinVar's aggregate classification.

Genome Diagnostics Laboratory, Amsterdam University Medical Center
Classification: Likely benign. Review status: no assertion criteria provided. Collection method: clinical testing. Allele origin: germline. Affected: yes. Study: VKGL Data-share Consensus. Not counted in ClinVar's aggregate classification.

NM_007194.4(CHEK2):c.1527C>T (p.Pro509=)

Gene: CHEK2 (checkpoint kinase 2; minus strand). Cytogenetic location: 22q12.1.
Variant type: single nucleotide variant.
Coding change: c.1527C>T on transcript NM_007194.4 (MANE Select); coding-DNA position 1527, C replaced by T.
Protein change: p.Pro509=; no amino-acid change (proline 509 retained).
Molecular consequence: synonymous variant.
Genome position (GRCh38, 1-based): chr22:28,689,150, G>A on the plus strand (C>T on the coding strand, the complement: CHEK2 is on the minus strand). VCF-style: chr22-28689150-G-A. GRCh37 (hg19) VCF-style: chr22-29085138-G-A.
Other names: c.1326C>T, p.Pro442= (NM_001349956.3); c.1440C>T, p.Pro480= (NM_145862.3); c.1656C>T, p.Pro552= (NM_001005735.3); c.864C>T, p.Pro288= (NM_001257387.3).
Identifiers: ClinVar variation 669946 (VCV000669946.16), dbSNP rs1346924016, ClinGen allele CA513944703.